The following is an entry in ClinVar:

ClinVar aggregate classification (germline): Uncertain significance (1 of 4 stars; one submission).

Conditions:
Hereditary cancer-predisposing syndrome. Also called: Hereditary neoplastic syndrome; Neoplastic Syndromes, Hereditary; Tumor predisposition; Hereditary Cancer Syndrome. Identifiers: Orphanet 140162, MedGen C0027672, MeSH D009386, MONDO:0015356.

Submission:

Ambry Genetics
Classification: Uncertain significance for Hereditary cancer-predisposing syndrome. Last evaluated: 2026-02-12. Review status: criteria provided, single submitter. Criteria: Ambry Variant Classification Scheme 2023. Collection method: clinical testing. Allele origin: germline.
Comment: The c.457+5G>C intronic variant results from a G to C substitution 5 nucleotides after coding exon 2 in the CDKN2A gene. This nucleotide position is highly conserved in available vertebrate species. In silico splice site analysis predicts that this alteration will weaken the native splice donor site. Based on the available evidence, the clinical significance of this variant remains unclear.

NM_000077.5(CDKN2A):c.457+5G>C

Gene: CDKN2A (cyclin dependent kinase inhibitor 2A; minus strand). Cytogenetic location: 9p21.3.
Variant type: single nucleotide variant.
Coding change: c.457+5G>C on transcript NM_000077.5 (MANE Select); 5 bases into the intron after coding-DNA position 457, G replaced by C.
Molecular consequence: intron variant.
Genome position (GRCh38, 1-based): chr9:21,970,897, C>G on the plus strand (G>C on the coding strand, the complement: CDKN2A is on the minus strand). VCF-style: chr9-21970897-C-G. GRCh37 (hg19) VCF-style: chr9-21970896-C-G.
Other names: c.304+5G>C (NM_001363763.2); c.*101+5G>C (NM_058195.4); c.457+5G>C (NM_001195132.2); c.*380+5G>C (NM_058197.5).
Identifiers: ClinVar variation 1741570 (VCV001741570.3), dbSNP rs866937105, ClinGen allele CA373085793.